The following is an entry in ClinVar:

NM_006231.4(POLE):c.5140G>T (p.Val1714Phe)

Gene: POLE (DNA polymerase epsilon, catalytic subunit; minus strand). Cytogenetic location: 12q24.33.
Variant type: single nucleotide variant.
Coding change: c.5140G>T on transcript NM_006231.4 (MANE Select); coding-DNA position 5140, G replaced by T.
Protein change: p.Val1714Phe; replaces valine 1714 with phenylalanine.
Molecular consequence: missense variant.
Genome position (GRCh38, 1-based): chr12:132,642,210, C>A on the plus strand (G>T on the coding strand, the complement: POLE is on the minus strand). VCF-style: chr12-132642210-C-A. GRCh37 (hg19) VCF-style: chr12-133218796-C-A.
Other names: short protein forms V1714F.
Identifiers: ClinVar variation 657475 (VCV000657475.12), dbSNP rs144941152, ClinGen allele CA246303236.

ClinVar aggregate classification (germline): Uncertain significance. Review status: criteria provided, multiple submitters, no conflicts (2 of 4 stars). 2 submissions from 2 submitters: Uncertain significance (2). Last evaluated 2025-02-25.

Conditions:
Hereditary cancer-predisposing syndrome. Also called: Hereditary neoplastic syndrome; Neoplastic Syndromes, Hereditary; Hereditary Cancer Syndrome; Tumor predisposition. Identifiers: Orphanet 140162, MedGen C0027672, MeSH D009386, MONDO:0015356.

Allele frequency attached by ClinVar (database versions not stated): gnomAD exomes below 0.00001; TOPMed 0.00002; ESP Exome Variant Server 0.00008.
gnomAD v4.1: 3 of 1,604,456 alleles (0.00019%); highest among the groups gnomAD compares: African/African-American, 0.0027%; no homozygotes.

Submissions (2):

Ambry Genetics
Classification: Uncertain significance for Hereditary cancer-predisposing syndrome. Last evaluated: 2025-02-25. Review status: criteria provided, single submitter. Criteria: Ambry Variant Classification Scheme 2023. Collection method: clinical testing. Allele origin: germline.
Comment: The p.V1714F variant (also known as c.5140G>T), located in coding exon 38 of the POLE gene, results from a G to T substitution at nucleotide position 5140. The valine at codon 1714 is replaced by phenylalanine, an amino acid with highly similar properties. This amino acid position is conserved. In addition, the in silico prediction for this alteration is inconclusive. Based on the available evidence, the clinical significance of this variant remains unclear.

Labcorp Genetics (formerly Invitae), Labcorp
Classification: Uncertain significance. Last evaluated: 2024-08-26. Review status: criteria provided, single submitter. Criteria: Invitae Variant Classification Sherloc (09022015). Collection method: clinical testing. Allele origin: germline.
Comment: This sequence change replaces valine, which is neutral and non-polar, with phenylalanine, which is neutral and non-polar, at codon 1714 of the POLE protein (p.Val1714Phe). This variant is present in population databases (rs144941152, gnomAD 0.004%). This variant has not been reported in the literature in individuals affected with POLE-related conditions. ClinVar contains an entry for this variant (Variation ID: 657475). Invitae Evidence Modeling of protein sequence and biophysical properties (such as structural, functional, and spatial information, amino acid conservation, physicochemical variation, residue mobility, and thermodynamic stability) indicates that this missense variant is not expected to disrupt POLE protein function with a negative predictive value of 80%. In summary, the available evidence is currently insufficient to determine the role of this variant in disease. Therefore, it has been classified as a Variant of Uncertain Significance.